The following is an entry in ClinVar:

ClinVar aggregate classification (germline): Benign. Review status: criteria provided, single submitter (1 of 4 stars). 2 submissions from 2 submitters: Benign (1). 1 of the submissions does not count toward it. Last evaluated 2025-11-02.

Conditions:
UNC45A-related disorder. Also called: UNC45A-related condition.

Allele frequency attached by ClinVar (database versions not stated): gnomAD 0.00002 and 0.00009; TOPMed 0.00003; gnomAD exomes 0.00018; ExAC 0.00025; 1000 Genomes Project 30x 0.00094; 1000 Genomes Project 0.00100.
gnomAD v4.1: 319 of 1,613,500 alleles (0.02%); highest among the groups gnomAD compares: East Asian, 0.59%; 2 homozygotes.

Submissions (2):

Labcorp Genetics (formerly Invitae), Labcorp
Classification: Benign. Last evaluated: 2025-11-02. Review status: criteria provided, single submitter. Criteria: Invitae Variant Classification Sherloc (09022015). Collection method: clinical testing. Allele origin: germline.

PreventionGenetics, part of Exact Sciences
Classification: Likely benign for UNC45A-related condition. Last evaluated: 2019-02-28. Review status: no assertion criteria provided. Collection method: clinical testing. Allele origin: germline. Not counted in ClinVar's aggregate classification.
Comment: This variant is classified as likely benign based on ACMG/AMP sequence variant interpretation guidelines (Richards et al. 2015 PMID: 25741868, with internal and published modifications).

NM_018671.5(UNC45A):c.709C>T (p.Leu237=)

Gene: UNC45A (unc-45 myosin chaperone A; plus strand). Cytogenetic location: 15q26.1.
Variant type: single nucleotide variant.
Coding change: c.709C>T on transcript NM_018671.5 (MANE Select); coding-DNA position 709, C replaced by T.
Protein change: p.Leu237=; no amino-acid change (leucine 237 retained).
Molecular consequence: synonymous variant.
Genome position (GRCh38, 1-based): chr15:90,942,458, C>T. VCF-style: chr15-90942458-C-T. GRCh37 (hg19) VCF-style: chr15-91485688-C-T.
Other names: c.664C>T, p.Leu222= (NM_001039675.2, NM_001323621.2); c.709C>T, p.Leu237= (NM_001323619.1); c.274C>T, p.Leu92= (NM_001323620.2).
Identifiers: ClinVar variation 1663083 (VCV001663083.10), dbSNP rs201070959, ClinGen allele CA7742649.